The following is an entry in ClinVar:

ClinVar aggregate classification (germline): Benign/Likely benign. Review status: criteria provided, multiple submitters, no conflicts (2 of 4 stars). 3 submissions from 3 submitters: Benign (1); Likely benign (2). Last evaluated 2024-07-30.

Conditions:
Familial cancer of breast. Also called: Hereditary breast cancer; BREAST CANCER, FAMILIAL; hereditary breast carcinoma. Identifiers: Orphanet 227535, MedGen C0346153, MONDO:0016419, OMIM 114480. Disease mechanism: loss of function.
Hereditary cancer-predisposing syndrome. Also called: Tumor predisposition; Hereditary neoplastic syndrome; Hereditary Cancer Syndrome; Neoplastic Syndromes, Hereditary. Identifiers: Orphanet 140162, MedGen C0027672, MeSH D009386, MONDO:0015356.

Submissions (3):

Myriad Genetics, Inc.
Classification: Benign for Familial cancer of breast. Last evaluated: 2024-07-30. Review status: criteria provided, single submitter. Criteria: Myriad Autosomal Dominant, Autosomal Recessive and X-Linked Classification Criteria (2023). Collection method: clinical testing. Allele origin: unknown.
Comment: This variant is considered benign. This variant is a silent/synonymous amino acid change and it is not expected to impact splicing.

Labcorp Genetics (formerly Invitae), Labcorp
Classification: Likely benign for Familial cancer of breast. Last evaluated: 2022-10-04. Review status: criteria provided, single submitter. Criteria: Invitae Variant Classification Sherloc (09022015). Collection method: clinical testing. Allele origin: germline.

Ambry Genetics
Classification: Likely benign for Hereditary cancer-predisposing syndrome. Last evaluated: 2020-10-12. Review status: criteria provided, single submitter. Criteria: Ambry Variant Classification Scheme 2023. Collection method: clinical testing. Allele origin: germline.

NM_000465.4(BARD1):c.2205G>A (p.Gln735=)

Gene: BARD1 (BRCA1 associated RING domain 1; minus strand). Cytogenetic location: 2q35.
Variant type: single nucleotide variant.
Coding change: c.2205G>A on transcript NM_000465.4 (MANE Select); coding-DNA position 2205, G replaced by A.
Protein change: p.Gln735=; no amino-acid change (glutamine 735 retained).
Molecular consequence: synonymous variant. On other transcripts: non-coding transcript variant (3).
Genome position (GRCh38, 1-based): chr2:214,728,805, C>T on the plus strand (G>A on the coding strand, the complement: BARD1 is on the minus strand). VCF-style: chr2-214728805-C-T. GRCh37 (hg19) VCF-style: chr2-215593529-C-T.
Other names: c.2148G>A, p.Gln716= (NM_001282543.2); c.852G>A, p.Gln284= (NM_001282545.2); c.795G>A, p.Gln265= (NM_001282548.2); c.666G>A, p.Gln222= (NM_001282549.2).
Identifiers: ClinVar variation 793192 (VCV000793192.13), dbSNP rs1574702556, ClinGen allele CA431392634.